The following is an entry in ClinVar:

ClinVar aggregate classification (germline): Pathogenic (1 of 4 stars; one submission).

Conditions:
Duchenne muscular dystrophy (DMD). Also called: MUSCULAR DYSTROPHY, PSEUDOHYPERTROPHIC PROGRESSIVE, DUCHENNE TYPE; Duchenne Muscular Dystrophy (DMD). Identifiers: Orphanet 98896, MedGen C0013264, MONDO:0010679, OMIM 310200.

Submission:

Labcorp Genetics (formerly Invitae), Labcorp
Classification: Pathogenic for Duchenne muscular dystrophy. Last evaluated: 2022-12-23. Review status: criteria provided, single submitter. Criteria: Invitae Variant Classification Sherloc (09022015). Collection method: clinical testing. Allele origin: unknown.
Comment: For these reasons, this variant has been classified as Pathogenic. This variant disrupts a region of the DMD protein in which other variant(s) (Deletion (Exons 35-44)) have been determined to be pathogenic (PMID: 2063877, 8429320, 19367636, 20036901). This suggests that this is a clinically significant region of the protein, and that variants that disrupt it are likely to be disease-causing. This variant has not been reported in the literature in individuals affected with DMD-related conditions. This variant is a gross deletion of the genomic region encompassing exon(s) 27-44 of the DMD gene. This variant would be expected to be in-frame, preserving the integrity of the reading frame.

Literature cited by the submitters: PubMed 2063877; PubMed 8429320; PubMed 19367636; PubMed 20036901.

NC_000023.10:g.(?_32235013)_(32466775_?)del

Gene: DMD (dystrophin; minus strand). Cytogenetic location: Xp21.1.
Variant type: Deletion.
Identifiers: ClinVar variation 3247337 (VCV003247337.1).